The following is an entry in ClinVar:

ClinVar aggregate classification (germline): Uncertain significance (0 of 4 stars; one submission).

Conditions:
PTDSS1-related disorder. Also called: PTDSS1-related condition.

gnomAD v4.1: 1 of 1,611,762 alleles (0.000062%); highest among the groups gnomAD compares: Non-Finnish European, 0.000085%; no homozygotes.

Submission:

PreventionGenetics, part of Exact Sciences
Classification: Uncertain significance for PTDSS1-related condition. Last evaluated: 2023-10-24. Review status: no assertion criteria provided. Collection method: clinical testing. Allele origin: germline.
Comment: The PTDSS1 c.1174G>C variant is predicted to result in the amino acid substitution p.Ala392Pro. To our knowledge, this variant has not been reported in the literature or in a large population database, indicating this variant is rare. At this time, the clinical significance of this variant is uncertain due to the absence of conclusive functional and genetic evidence.

NM_014754.3(PTDSS1):c.1174G>C (p.Ala392Pro)

Gene: PTDSS1 (phosphatidylserine synthase 1; plus strand). Cytogenetic location: 8q22.1.
Variant type: single nucleotide variant.
Coding change: c.1174G>C on transcript NM_014754.3 (MANE Select); coding-DNA position 1174, G replaced by C.
Protein change: p.Ala392Pro; replaces alanine 392 with proline.
Molecular consequence: missense variant.
Genome position (GRCh38, 1-based): chr8:96,330,213, G>C. VCF-style: chr8-96330213-G-C. GRCh37 (hg19) VCF-style: chr8-97342441-G-C.
Other names: c.736G>C, p.Ala246Pro (NM_001290225.2); short protein forms A246P, A392P.
Identifiers: ClinVar variation 3041391 (VCV003041391.2), dbSNP rs1248520559, ClinGen allele CA371758307.